The following is an entry in ClinVar:

ClinVar aggregate classification (germline): Uncertain significance. Review status: criteria provided, multiple submitters, no conflicts (2 of 4 stars). 2 submissions from 2 submitters: Uncertain significance (2). Last evaluated 2025-07-31.

Allele frequency attached by ClinVar (database versions not stated): gnomAD 0.00001; TOPMed 0.00002; ExAC 0.00003; gnomAD exomes 0.00003; ESP Exome Variant Server 0.00008.
gnomAD v4.1: 47 of 1,613,522 alleles (0.0029%); highest among the groups gnomAD compares: Middle Eastern, 0.016%; no homozygotes.

Submissions (2):

Ambry Genetics
Classification: Uncertain significance. Last evaluated: 2025-07-31. Review status: criteria provided, single submitter. Criteria: Ambry Variant Classification Scheme 2023. Collection method: clinical testing. Allele origin: germline.

Labcorp Genetics (formerly Invitae), Labcorp
Classification: Uncertain significance. Last evaluated: 2024-01-09. Review status: criteria provided, single submitter. Criteria: Invitae Variant Classification Sherloc (09022015). Collection method: clinical testing. Allele origin: germline.
Comment: This sequence change replaces arginine, which is basic and polar, with glutamine, which is neutral and polar, at codon 111 of the RPL27 protein (p.Arg111Gln). This variant is present in population databases (rs368506285, gnomAD 0.006%). This variant has not been reported in the literature in individuals affected with RPL27-related conditions. An algorithm developed to predict the effect of missense changes on protein structure and function (PolyPhen-2) suggests that this variant is likely to be tolerated. In summary, the available evidence is currently insufficient to determine the role of this variant in disease. Therefore, it has been classified as a Variant of Uncertain Significance.

NM_000988.5(RPL27):c.332G>A (p.Arg111Gln)

Gene: RPL27 (ribosomal protein L27; plus strand). Cytogenetic location: 17q21.31.
Variant type: single nucleotide variant.
Coding change: c.332G>A on transcript NM_000988.5 (MANE Select); coding-DNA position 332, G replaced by A.
Protein change: p.Arg111Gln; replaces arginine 111 with glutamine.
Molecular consequence: missense variant. On other transcripts: non-coding transcript variant (1).
Genome position (GRCh38, 1-based): chr17:43,002,753, G>A. VCF-style: chr17-43002753-G-A. GRCh37 (hg19) VCF-style: chr17-41154770-G-A.
Other names: c.332G>A, p.Arg111Gln (NM_001349921.2, NM_001349922.2); c.332G>A (NM_000988.3); short protein forms R111Q.
Identifiers: ClinVar variation 2887247 (VCV002887247.4), dbSNP rs368506285, ClinGen allele CA8588990.
Genomic context (GRCh38, chr17:43,002,753, plus strand): 5'-TGGACAAAACTGTCGTCAATAAGGATGTCTTCAGAGATCCTGCTCTTAAACGCAAGGCCC[G>A]ACGGGAGGCCAAGGTCAAGTTTGAAGAGAGGTAAGTAGGCTTTGGTAGTGAATGGTGGAG-3'
Protein context (NP_000979.1, residues 101-121): FRDPALKRKA[Arg111Gln]REAKVKFEER